The following is an entry in ClinVar:

NM_000384.3(APOB):c.9947C>G (p.Ser3316Cys)

Gene: APOB (apolipoprotein B; minus strand). Cytogenetic location: 2p24.1.
Variant type: single nucleotide variant.
Coding change: c.9947C>G on transcript NM_000384.3 (MANE Select); coding-DNA position 9947, C replaced by G.
Protein change: p.Ser3316Cys; replaces serine 3316 with cysteine.
Molecular consequence: missense variant.
Genome position (GRCh38, 1-based): chr2:21,006,921, G>C on the plus strand (C>G on the coding strand, the complement: APOB is on the minus strand). VCF-style: chr2-21006921-G-C. GRCh37 (hg19) VCF-style: chr2-21229793-G-C.
Other names: short protein forms S3316C.
Identifiers: ClinVar variation 2584552 (VCV002584552.2), dbSNP rs1663160141, ClinGen allele CA345988205.

ClinVar aggregate classification (germline): Uncertain significance. Review status: criteria provided, multiple submitters, no conflicts (2 of 4 stars). 2 submissions from 2 submitters: Uncertain significance (2). Last evaluated 2023-12-02.

Conditions:
Familial hypobetalipoproteinemia 1. Also called: APOB-Related Familial Hypobetalipoproteinemia; Hypobetalipoproteinemia, normotriglyceridemic; Acanthocytosis with hypobetalipoproteinemia. Identifiers: MedGen C4551990, MONDO:0014252, OMIM 615558.
Hypercholesterolemia, autosomal dominant, type B (FHCL2). Also called: APOLIPOPROTEIN B-100, FAMILIAL DEFECTIVE; APOLIPOPROTEIN B-100, FAMILIAL LIGAND-DEFECTIVE; HYPERCHOLESTEROLEMIA, FAMILIAL, DUE TO LIGAND-DEFECTIVE APOLIPOPROTEIN B; Familial Hypercholesterolemia Type B; Familial hypercholesterolemia 2; APOB-Related Familial Hypercholesterolemia, Autosomal Dominant. Identifiers: MedGen C1704417, MONDO:0007751, OMIM 144010.
Cardiovascular phenotype. Identifiers: MedGen CN230736.

Allele frequency attached by ClinVar (database versions not stated): TOPMed 0.00001.
gnomAD v4.1: 1 of 1,614,084 alleles (0.000062%); no homozygotes.

Submissions (2):

Ambry Genetics
Classification: Uncertain significance for Cardiovascular phenotype. Last evaluated: 2023-12-02. Review status: criteria provided, single submitter. Criteria: Ambry Variant Classification Scheme 2023. Collection method: clinical testing. Allele origin: germline.
Comment: The p.S3316C variant (also known as c.9947C>G), located in coding exon 26 of the APOB gene, results from a C to G substitution at nucleotide position 9947. The serine at codon 3316 is replaced by cysteine, an amino acid with dissimilar properties. This amino acid position is conserved. In addition, this alteration is predicted to be tolerated by in silico analysis. Since supporting evidence is limited at this time, the clinical significance of this alteration remains unclear.

New York Genome Center
Classification: Uncertain significance for Hypercholesterolemia, autosomal dominant, type B; Familial hypobetalipoproteinemia 1. Last evaluated: 2023-01-03. Review status: criteria provided, single submitter. Criteria: NYGC Assertion Criteria 2020. Collection method: clinical testing. Allele origin: germline. Observed: 1 heterozygote.